The following is an entry in ClinVar:

NM_000939.4(POMC):c.234C>A (p.Val78=)

Gene: POMC (proopiomelanocortin; minus strand). Cytogenetic location: 2p23.3.
Variant type: single nucleotide variant.
Coding change: c.234C>A on transcript NM_000939.4 (MANE Select); coding-DNA position 234, C replaced by A.
Protein change: p.Val78=; no amino-acid change (valine 78 retained).
Molecular consequence: synonymous variant.
Genome position (GRCh38, 1-based): chr2:25,161,651, G>T on the plus strand (C>A on the coding strand, the complement: POMC is on the minus strand). VCF-style: chr2-25161651-G-T. GRCh37 (hg19) VCF-style: chr2-25384520-G-T.
Other names: c.234C>A, p.Val78= (NM_001035256.3, NM_001319204.2, NM_001319205.2); c.234C>A (NM_000939.3).
Identifiers: ClinVar variation 3001694 (VCV003001694.4), dbSNP rs1173071382, ClinGen allele CA425179975.
Genomic context (GRCh38, chr2:25,161,651, plus strand): 5'-GCTGCTGCCGCTGCTGCTGCTGTTGCGGCGGCCGAATCGGTCCCAGCGGAAGTGGCCCAT[G>T]ACGTACTTCCGGGGGTTCTCGGTCAGAGGCTGCTCGTCGCCATTTCCCGGGAACATGGGA-3'
Protein context (NP_000930.1, residues 68-88): QPLTENPRKY[Val78=]MGHFRWDRFG

ClinVar aggregate classification (germline): Likely benign. Review status: criteria provided, single submitter (1 of 4 stars). 2 submissions from 2 submitters: Likely benign (1). 1 of the submissions does not count toward it. Last evaluated 2022-10-27.

Conditions:
POMC-related disorder. Also called: POMC-related condition; POMC-related disorders.

Allele frequency attached by ClinVar (database versions not stated): gnomAD exomes below 0.00001; gnomAD 0.00001.
gnomAD v4.1: 4 of 1,556,640 alleles (0.00026%); highest among the groups gnomAD compares: Non-Finnish European, 0.00035%; no homozygotes.

Submissions (2):

Labcorp Genetics (formerly Invitae), Labcorp
Classification: Likely benign. Last evaluated: 2022-10-27. Review status: criteria provided, single submitter. Criteria: Invitae Variant Classification Sherloc (09022015). Collection method: clinical testing. Allele origin: germline.

PreventionGenetics, part of Exact Sciences
Classification: Likely benign for POMC-related condition. Last evaluated: 2022-06-11. Review status: no assertion criteria provided. Collection method: clinical testing. Allele origin: germline. Not counted in ClinVar's aggregate classification.
Comment: This variant is classified as likely benign based on ACMG/AMP sequence variant interpretation guidelines (Richards et al. 2015 PMID: 25741868, with internal and published modifications).